The following is an entry in ClinVar:

ClinVar aggregate classification (germline): Uncertain significance. Review status: criteria provided, multiple submitters, no conflicts (2 of 4 stars). 2 submissions from 2 submitters: Uncertain significance (2). Last evaluated 2026-05-19.

Conditions:
Gastrointestinal stromal tumor. Also called: Gastrointestinal stromal tumor, somatic; Gastrointestinal stroma tumor. Identifiers: Orphanet 44890, MedGen C0238198, MeSH D046152, MONDO:0011719, OMIM 606764, HP:0100723.
Hereditary cancer-predisposing syndrome. Also called: Neoplastic Syndromes, Hereditary; Hereditary neoplastic syndrome; Tumor predisposition; Hereditary Cancer Syndrome. Identifiers: Orphanet 140162, MedGen C0027672, MeSH D009386, MONDO:0015356.

Submissions (2):

Ambry Genetics
Classification: Uncertain significance for Hereditary cancer-predisposing syndrome. Last evaluated: 2026-05-19. Review status: criteria provided, single submitter. Criteria: Ambry Variant Classification Scheme 2023. Collection method: clinical testing. Allele origin: germline.
Comment: The p.V845I variant (also known as c.2533G>A), located in coding exon 18 of the KIT gene, results from a G to A substitution at nucleotide position 2533. The valine at codon 845 is replaced by isoleucine, an amino acid with highly similar properties. This amino acid position is conserved. In addition, this alteration is predicted to be tolerated by in silico analysis. Based on the available evidence, the clinical significance of this variant remains unclear.

Baylor Genetics
Classification: Uncertain significance for Gastrointestinal stromal tumor. Last evaluated: 2023-07-31. Review status: criteria provided, single submitter. Criteria: ACMG Guidelines, 2015. Collection method: clinical testing. Allele origin: unknown.

NM_000222.3(KIT):c.2533G>A (p.Val845Ile)

Gene: KIT (KIT proto-oncogene, receptor tyrosine kinase; plus strand). Cytogenetic location: 4q12.
Variant type: single nucleotide variant.
Coding change: c.2533G>A on transcript NM_000222.3 (MANE Select); coding-DNA position 2533, G replaced by A.
Protein change: p.Val845Ile; replaces valine 845 with isoleucine.
Molecular consequence: missense variant.
Genome position (GRCh38, 1-based): chr4:54,736,546, G>A. VCF-style: chr4-54736546-G-A. GRCh37 (hg19) VCF-style: chr4-55602712-G-A.
Other names: c.2521G>A, p.Val841Ile (NM_001093772.2, NM_001385292.1); c.2536G>A, p.Val846Ile (NM_001385284.1); c.2530G>A, p.Val844Ile (NM_001385285.1); c.2518G>A, p.Val840Ile (NM_001385286.1); c.2524G>A, p.Val842Ile (NM_001385288.1); c.2533G>A, p.Val845Ile (NM_001385290.1); short protein forms V840I, V841I, V842I, V844I, V845I, V846I.
Identifiers: ClinVar variation 2676217 (VCV002676217.2), dbSNP rs2109811233, ClinGen allele CA356913135.
Genomic context (GRCh38, chr4:54,736,546, plus strand): 5'-CTTCTATTACAGGCTCGACTACCTGTGAAGTGGATGGCACCTGAAAGCATTTTCAACTGT[G>A]TATACACGTTTGAAAGTGACGTCTGGTCCTATGGGATTTTTCTTTGGGAGCTGTTCTCTT-3'
Protein context (NP_000213.1, residues 835-855): WMAPESIFNC[Val845Ile]YTFESDVWSY